The following is an entry in ClinVar:

NM_000152.5(GAA):c.1646G>A (p.Gly549Glu)

Gene: GAA (alpha glucosidase; plus strand). Cytogenetic location: 17q25.3.
Variant type: single nucleotide variant.
Coding change: c.1646G>A on transcript NM_000152.5 (MANE Select); coding-DNA position 1646, G replaced by A.
Protein change: p.Gly549Glu; replaces glycine 549 with glutamic acid.
Molecular consequence: missense variant.
Genome position (GRCh38, 1-based): chr17:80,111,992, G>A. VCF-style: chr17-80111992-G-A. GRCh37 (hg19) VCF-style: chr17-78085791-G-A.
Other names: c.1646G>A, p.Gly549Glu (NM_001079803.3, NM_001079804.3, NM_001406741.1 and 1 more transcripts); short protein forms G549E.
Identifiers: ClinVar variation 2091465 (VCV002091465.4), dbSNP rs2039246325, ClinGen allele CA401368771.
Genomic context (GRCh38, chr17:80,111,992, plus strand): 5'-TGGAGCCTGCCGGGAGGAAGCTCCCTGGAAACCAGCCCCCGCCTCTTCCAGGGGTGGTTG[G>A]GGGGACCCTCCAGGCGGCCACCATCTGTGCCTCCAGCCACCAGTTTCTCTCCACACACTA-3'
Protein context (NP_000143.2, residues 539-559): ENPPYVPGVV[Gly549Glu]GTLQAATICA

ClinVar aggregate classification (germline): Likely pathogenic (1 of 4 stars; one submission).

Conditions:
Glycogen storage disease, type II (IOPD). Also called: Pompe Disease; Glucosidase acid-1,4-alpha deficiency; CARDIOMEGALIA GLYCOGENICA DIFFUSA; GLYCOGENOSIS, GENERALIZED, CARDIAC FORM; GSD II; Glycogen storage disease type 2. Identifiers: Orphanet 365, MedGen C0017921, MONDO:0009290, OMIM 232300.

gnomAD v4.1: 1 of 1,613,598 alleles (0.000062%); highest among the groups gnomAD compares: South Asian, 0.0011%; no homozygotes.

Submission:

Labcorp Genetics (formerly Invitae), Labcorp
Classification: Likely pathogenic for Glycogen storage disease, type II. Last evaluated: 2024-02-06. Review status: criteria provided, single submitter. Criteria: Invitae Variant Classification Sherloc (09022015). Collection method: clinical testing. Allele origin: germline.
Comment: This sequence change replaces glycine, which is neutral and non-polar, with glutamic acid, which is acidic and polar, at codon 549 of the GAA protein (p.Gly549Glu). This variant is not present in population databases (gnomAD no frequency). This variant has not been reported in the literature in individuals affected with GAA-related conditions. ClinVar contains an entry for this variant (Variation ID: 2091465). Advanced modeling of protein sequence and biophysical properties (such as structural, functional, and spatial information, amino acid conservation, physicochemical variation, residue mobility, and thermodynamic stability) performed at Invitae indicates that this missense variant is expected to disrupt GAA protein function with a positive predictive value of 95%. This variant disrupts the p.Gly549Arg amino acid residue in GAA. Other variant(s) that disrupt this residue have been determined to be pathogenic (PMID: 14695532, 16917947, 19862843). This suggests that this residue is clinically significant, and that variants that disrupt this residue are likely to be disease-causing. In summary, the currently available evidence indicates that the variant is pathogenic, but additional data are needed to prove that conclusively. Therefore, this variant has been classified as Likely Pathogenic.

Literature cited by the submitters: PubMed 14695532; PubMed 16917947; PubMed 19862843.